The following is an entry in ClinVar:

NM_001130987.2(DYSF):c.3766G>A (p.Glu1256Lys)

Gene: DYSF (dysferlin; plus strand). Cytogenetic location: 2p13.2.
Variant type: single nucleotide variant.
Coding change: c.3766G>A on transcript NM_001130987.2 (MANE Select); coding-DNA position 3766, G replaced by A.
Protein change: p.Glu1256Lys; replaces glutamic acid 1256 with lysine.
Molecular consequence: missense variant.
Genome position (GRCh38, 1-based): chr2:71,600,711, G>A. VCF-style: chr2-71600711-G-A. GRCh37 (hg19) VCF-style: chr2-71827841-G-A.
Other names: c.3715G>A, p.Glu1239Lys (NM_001130455.2, NM_001130983.2); c.3670G>A, p.Glu1224Lys (NM_001130976.2, NM_001130977.2); c.3712G>A, p.Glu1238Lys (NM_001130978.2, NM_003494.4); c.3805G>A, p.Glu1269Lys (NM_001130979.2); c.3763G>A, p.Glu1255Lys (NM_001130980.2, NM_001130981.2); c.3808G>A, p.Glu1270Lys (NM_001130982.2); c.3673G>A, p.Glu1225Lys (NM_001130984.2, NM_001130986.2); c.3712G>A (NM_003494.3); and 1 more; short protein forms E1269K, E1224K, E1225K, E1239K, E1238K, E1256K, E1255K, E1270K.
Identifiers: ClinVar variation 1445651 (VCV001445651.10), dbSNP rs1291667876, ClinGen allele CA347224792.
Genomic context (GRCh38, chr2:71,600,711, plus strand): 5'-TAGAGCCCTGGGTAAGGGATGCTGATTCTTGTCTCTCTACGCTTGGTCTAGGGTGCAGAC[G>A]AGTTTATGGGTCGCTGCATCTGTCAACCGAGTCTGGAACGGATGCCACGGCTGGCCTGGT-3'
Protein context (NP_001124459.1, residues 1246-1266): LYDHDTYGAD[Glu1256Lys]FMGRCICQPS

ClinVar aggregate classification (germline): Uncertain significance. Review status: criteria provided, multiple submitters, no conflicts (2 of 4 stars). 2 submissions from 2 submitters: Uncertain significance (2). Last evaluated 2023-10-03.

Conditions:
Neuromuscular disease caused by qualitative or quantitative defects of dysferlin. Also called: Qualitative or quantitative defects of dysferlin; Dysferlinopathy. Identifiers: Orphanet 207073, MedGen C2931687, MONDO:0016145.

Allele frequency attached by ClinVar (database versions not stated): gnomAD exomes below 0.00001; gnomAD 0.00001.
gnomAD v4.1: 3 of 1,614,002 alleles (0.00019%); highest among the groups gnomAD compares: East Asian, 0.0022%; no homozygotes.

Submissions (2):

Labcorp Genetics (formerly Invitae), Labcorp
Classification: Uncertain significance for Neuromuscular disease caused by qualitative or quantitative defects of dysferlin. Last evaluated: 2023-10-03. Review status: criteria provided, single submitter. Criteria: Invitae Variant Classification Sherloc (09022015). Collection method: clinical testing. Allele origin: germline.
Comment: This sequence change replaces glutamic acid, which is acidic and polar, with lysine, which is basic and polar, at codon 1238 of the DYSF protein (p.Glu1238Lys). This variant is present in population databases (no rsID available, gnomAD 0.005%). This variant has not been reported in the literature in individuals affected with DYSF-related conditions. ClinVar contains an entry for this variant (Variation ID: 1445651). Advanced modeling of protein sequence and biophysical properties (such as structural, functional, and spatial information, amino acid conservation, physicochemical variation, residue mobility, and thermodynamic stability) has been performed at Invitae for this missense variant, however the output from this modeling did not meet the statistical confidence thresholds required to predict the impact of this variant on DYSF protein function. In summary, the available evidence is currently insufficient to determine the role of this variant in disease. Therefore, it has been classified as a Variant of Uncertain Significance.

Revvity Omics, Revvity
Classification: Uncertain significance. Last evaluated: 2019-05-30. Review status: criteria provided, single submitter. Criteria: ACMG Guidelines, 2015. Collection method: clinical testing. Allele origin: germline.